The following is an entry in ClinVar:

ClinVar aggregate classification (germline): Uncertain significance (1 of 4 stars; one submission).

Conditions:
Long QT syndrome (LQTS). Identifiers: MedGen C0023976, MeSH D008133, MONDO:0002442. Disease mechanism: loss of function. Inheritance: Various modes of inheritance.

Submission:

Labcorp Genetics (formerly Invitae), Labcorp
Classification: Uncertain significance for Long QT syndrome. Last evaluated: 2018-06-12. Review status: criteria provided, single submitter. Criteria: Invitae Variant Classification Sherloc (09022015). Collection method: clinical testing. Allele origin: germline.
Comment: This sequence change replaces isoleucine with methionine at codon 1347 of the AKAP9 protein (p.Ile1347Met). The isoleucine residue is weakly conserved and there is a small physicochemical difference between isoleucine and methionine. This variant is not present in population databases (ExAC no frequency). This variant has not been reported in the literature in individuals with AKAP9-related disease. Algorithms developed to predict the effect of missense changes on protein structure and function (SIFT, PolyPhen-2, Align-GVGD) all suggest that this variant is likely to be tolerated, but these predictions have not been confirmed by published functional studies and their clinical significance is uncertain. In summary, the available evidence is currently insufficient to determine the role of this variant in disease. Therefore, it has been classified as a Variant of Uncertain Significance.

NM_005751.5(AKAP9):c.4041A>G (p.Ile1347Met)

Gene: AKAP9 (A-kinase anchoring protein 9; plus strand). Cytogenetic location: 7q21.2.
Variant type: single nucleotide variant.
Coding change: c.4041A>G on transcript NM_005751.5 (MANE Select); coding-DNA position 4041, A replaced by G.
Protein change: p.Ile1347Met; replaces isoleucine 1347 with methionine.
Molecular consequence: missense variant.
Genome position (GRCh38, 1-based): chr7:92,022,902, A>G. VCF-style: chr7-92022902-A-G. GRCh37 (hg19) VCF-style: chr7-91652216-A-G.
Other names: c.4041A>G, p.Ile1347Met (NM_147185.3); short protein forms I1347M.
Identifiers: ClinVar variation 577302 (VCV000577302.8), dbSNP rs1562998284, ClinGen allele CA368127842.